The following is an entry in ClinVar:

NM_003470.3(USP7):c.2255C>T (p.Ser752Phe)

Gene: USP7 (ubiquitin specific peptidase 7; minus strand). Cytogenetic location: 16p13.2.
Variant type: single nucleotide variant.
Coding change: c.2255C>T on transcript NM_003470.3 (MANE Select); coding-DNA position 2255, C replaced by T.
Protein change: p.Ser752Phe; replaces serine 752 with phenylalanine.
Molecular consequence: missense variant. On other transcripts: non-coding transcript variant (1).
Genome position (GRCh38, 1-based): chr16:8,900,584, G>A on the plus strand (C>T on the coding strand, the complement: USP7 is on the minus strand). VCF-style: chr16-8900584-G-A. GRCh37 (hg19) VCF-style: chr16-8994441-G-A.
Other names: c.2207C>T, p.Ser736Phe (NM_001286457.2); c.1958C>T, p.Ser653Phe (NM_001286458.2); c.2081C>T, p.Ser694Phe (NM_001321858.2); short protein forms S653F, S694F, S736F, S752F.
Identifiers: ClinVar variation 3373447 (VCV003373447.1).

ClinVar aggregate classification (germline): Uncertain significance (1 of 4 stars; one submission).

Submission:

GeneDx
Classification: Uncertain significance. Last evaluated: 2024-02-28. Review status: criteria provided, single submitter. Criteria: GeneDx Variant Classification Process June 2021. Collection method: clinical testing. Allele origin: germline. Affected: yes.
Comment: Not observed at significant frequency in large population cohorts (gnomAD); In silico analysis supports that this missense variant has a deleterious effect on protein structure/function; Has not been previously published as pathogenic or benign to our knowledge